The following is an entry in ClinVar:

NM_002485.5(NBN):c.1053A>T (p.Lys351Asn)

Gene: NBN (nibrin; minus strand). Cytogenetic location: 8q21.3.
Variant type: single nucleotide variant.
Coding change: c.1053A>T on transcript NM_002485.5 (MANE Select); coding-DNA position 1053, A replaced by T.
Protein change: p.Lys351Asn; replaces lysine 351 with asparagine.
Molecular consequence: missense variant.
Genome position (GRCh38, 1-based): chr8:89,958,796, T>A on the plus strand (A>T on the coding strand, the complement: NBN is on the minus strand). VCF-style: chr8-89958796-T-A. GRCh37 (hg19) VCF-style: chr8-90971024-T-A.
Other names: c.807A>T, p.Lys269Asn (NM_001024688.3, NM_001440379.1, NM_001440380.1); short protein forms K269N, K351N.
Identifiers: ClinVar variation 4860750 (VCV004860750.1).

ClinVar aggregate classification (germline): Uncertain significance (1 of 4 stars; one submission).

Conditions:
Hereditary cancer-predisposing syndrome. Also called: Neoplastic Syndromes, Hereditary; Tumor predisposition; Hereditary Cancer Syndrome; Hereditary neoplastic syndrome. Identifiers: Orphanet 140162, MedGen C0027672, MeSH D009386, MONDO:0015356.

Submission:

Ambry Genetics
Classification: Uncertain significance for Hereditary cancer-predisposing syndrome. Last evaluated: 2026-03-24. Review status: criteria provided, single submitter. Criteria: Ambry Variant Classification Scheme 2023. Collection method: clinical testing. Allele origin: germline.
Comment: The p.K351N variant (also known as c.1053A>T), located in coding exon 9 of the NBN gene, results from an A to T substitution at nucleotide position 1053. The lysine at codon 351 is replaced by asparagine, an amino acid with similar properties. This amino acid position is conserved. In addition, this alteration is predicted to be tolerated by in silico analysis. Based on the available evidence, the clinical significance of this variant remains unclear.